The following is an entry in ClinVar:

ClinVar aggregate classification (germline): Uncertain significance (1 of 4 stars; one submission).

Conditions:
Severe combined immunodeficiency due to DNA-PKcs deficiency. Also called: IMMUNODEFICIENCY 26 WITH NEUROLOGIC ABNORMALITIES; Immunodeficiency 26 with or without neurologic abnormalities. Identifiers: Orphanet 317425, MedGen C4014833, MONDO:0014423, OMIM 615966.

Allele frequency attached by ClinVar (database versions not stated): gnomAD 0.00001; TOPMed 0.00001; ExAC 0.00002; gnomAD exomes 0.00002.

Submission:

Labcorp Genetics (formerly Invitae), Labcorp
Classification: Uncertain significance for Severe combined immunodeficiency due to DNA-PKcs deficiency. Last evaluated: 2022-12-12. Review status: criteria provided, single submitter. Criteria: Invitae Variant Classification Sherloc (09022015). Collection method: clinical testing. Allele origin: germline.
Comment: This sequence change replaces phenylalanine, which is neutral and non-polar, with cysteine, which is neutral and slightly polar, at codon 4074 of the PRKDC protein (p.Phe4074Cys). This variant is present in population databases (rs775768604, gnomAD 0.0009%). In summary, the available evidence is currently insufficient to determine the role of this variant in disease. Therefore, it has been classified as a Variant of Uncertain Significance. Advanced modeling of protein sequence and biophysical properties (such as structural, functional, and spatial information, amino acid conservation, physicochemical variation, residue mobility, and thermodynamic stability) performed at Invitae indicates that this missense variant is not expected to disrupt PRKDC protein function. This variant has not been reported in the literature in individuals affected with PRKDC-related conditions.

NM_006904.7(PRKDC):c.12221T>G (p.Phe4074Cys)

Gene: PRKDC (protein kinase, DNA-activated, catalytic subunit; minus strand). Cytogenetic location: 8q11.21.
Variant type: single nucleotide variant.
Coding change: c.12221T>G on transcript NM_006904.7 (MANE Select); coding-DNA position 12221, T replaced by G.
Protein change: p.Phe4074Cys; replaces phenylalanine 4074 with cysteine.
Molecular consequence: missense variant.
Genome position (GRCh38, 1-based): chr8:47,774,339, A>C on the plus strand (T>G on the coding strand, the complement: PRKDC is on the minus strand). VCF-style: chr8-47774339-A-C. GRCh37 (hg19) VCF-style: chr8-48686900-A-C.
Other names: c.12128T>G, p.Phe4043Cys (NM_001081640.2); short protein forms F4043C, F4074C.
Identifiers: ClinVar variation 2148473 (VCV002148473.2), dbSNP rs775768604, ClinGen allele CA4738866.